The following is an entry in ClinVar:

NM_003119.4(SPG7):c.964C>T (p.Arg322Cys)

Gene: SPG7 (SPG7 matrix AAA peptidase subunit, paraplegin; plus strand). Cytogenetic location: 16q24.3.
Variant type: single nucleotide variant.
Coding change: c.964C>T on transcript NM_003119.4 (MANE Select); coding-DNA position 964, C replaced by T.
Protein change: p.Arg322Cys; replaces arginine 322 with cysteine.
Molecular consequence: missense variant.
Genome position (GRCh38, 1-based): chr16:89,530,785, C>T. VCF-style: chr16-89530785-C-T. GRCh37 (hg19) VCF-style: chr16-89597193-C-T.
Other names: c.964C>T, p.Arg322Cys (NM_001363850.1, NM_199367.3); c.964C>T (NM_003119.3); short protein forms R322C.
Identifiers: ClinVar variation 2061290 (VCV002061290.4), dbSNP rs201096554, ClinGen allele CA323057.

ClinVar aggregate classification (germline): Uncertain significance. Review status: criteria provided, multiple submitters, no conflicts (2 of 4 stars). 2 submissions from 2 submitters: Uncertain significance (2). Last evaluated 2025-09-09.

Conditions:
SPG7-related disorder. Also called: SPG7-related condition.
Hereditary spastic paraplegia 7 (SPG7). Also called: Autosomal recessive spastic paraplegia type 7; Spastic paraplegia 7; Hereditary spastic paraplegia Paraplegin type; SPG7-related neurologic disorder; SPASTIC PARAPLEGIA 7, AUTOSOMAL RECESSIVE, WITH OR WITHOUT CEREBELLAR ATAXIA. Identifiers: Orphanet 99013, MedGen C1846564, MONDO:0011803, OMIM 607259.

Allele frequency attached by ClinVar (database versions not stated): gnomAD exomes 0.00002; ExAC 0.00003; gnomAD 0.00007; 1000 Genomes Project 0.00020; 1000 Genomes Project 30x 0.00031; TOPMed 0.00034.
gnomAD v4.1: 45 of 1,614,126 alleles (0.0028%); highest among the groups gnomAD compares: Admixed American, 0.022%; no homozygotes.

Submissions (2):

PreventionGenetics, part of Exact Sciences
Classification: Uncertain significance for SPG7-related condition. Last evaluated: 2025-09-09. Review status: criteria provided, single submitter. Criteria: ACMG Guidelines, 2015. Collection method: clinical testing. Allele origin: germline.
Comment: The SPG7 c.964C>T variant is predicted to result in the amino acid substitution p.Arg322Cys. To our knowledge, this variant has not been reported in the literature. This variant is reported in 0.013% of alleles in individuals of South Asian descent in gnomAD. At this time, the clinical significance of this variant is uncertain due to the absence of conclusive functional and genetic evidence.

Labcorp Genetics (formerly Invitae), Labcorp
Classification: Uncertain significance for Hereditary spastic paraplegia 7. Last evaluated: 2024-02-27. Review status: criteria provided, single submitter. Criteria: Invitae Variant Classification Sherloc (09022015). Collection method: clinical testing. Allele origin: germline.
Comment: This sequence change replaces arginine, which is basic and polar, with cysteine, which is neutral and slightly polar, at codon 322 of the SPG7 protein (p.Arg322Cys). This variant is present in population databases (rs201096554, gnomAD 0.01%). This variant has not been reported in the literature in individuals affected with SPG7-related conditions. ClinVar contains an entry for this variant (Variation ID: 2061290). Advanced modeling of protein sequence and biophysical properties (such as structural, functional, and spatial information, amino acid conservation, physicochemical variation, residue mobility, and thermodynamic stability) performed at Invitae indicates that this missense variant is not expected to disrupt SPG7 protein function with a negative predictive value of 80%. In summary, the available evidence is currently insufficient to determine the role of this variant in disease. Therefore, it has been classified as a Variant of Uncertain Significance.